The following is an entry in ClinVar:

NM_032409.3(PINK1):c.*490A>C

Genes: PINK1-AS (PINK1 antisense RNA; minus strand), PINK1 (PTEN induced kinase 1; plus strand). Cytogenetic location: 1p36.12.
Variant type: single nucleotide variant.
Coding change: c.*490A>C on transcript NM_032409.3 (MANE Select); 490 bases downstream of the stop codon, A replaced by C.
Molecular consequence: 3 prime UTR variant. On other transcripts: non-coding transcript variant (1).
Genome position (GRCh38, 1-based): chr1:20,651,181, A>C. VCF-style: chr1-20651181-A-C. GRCh37 (hg19) VCF-style: chr1-20977674-A-C.
Identifiers: ClinVar variation 295019 (VCV000295019.7), dbSNP rs16824318, ClinGen allele CA10608876.
Genomic context (GRCh38, chr1:20,651,181, plus strand): 5'-GAAATTACATGAGGCCTGGGCCTCTGCGTTCCCAAGCTGTGCGTTCTGGACCAGCTACTG[A>C]ATTATTAATCTCACTTAGCGAAAGTGACGGATGAGCAGTAAGTAAGTAAGTGTGGGGATT-3'

ClinVar aggregate classification (germline): Benign. Review status: criteria provided, multiple submitters, no conflicts (2 of 4 stars). 2 submissions from 2 submitters: Benign (2). Last evaluated 2021-05-25.

Conditions:
Autosomal recessive early-onset Parkinson disease 6 (PARK6). Also called: PARKINSON DISEASE 6, EARLY-ONSET; PINK1 Type of Young-Onset Parkinson Disease; PINK1-Related Parkinson Disease; PARKINSON DISEASE 6, MODIFIER OF. Identifiers: Orphanet 2828, MedGen C1853833, MONDO:0011613, OMIM 605909.

Allele frequency attached by ClinVar (database versions not stated): gnomAD exomes 0.01144; gnomAD 0.02268 and 0.02324; TOPMed 0.02455; 1000 Genomes Project 0.03974; 1000 Genomes Project 30x 0.03982.
gnomAD v4.1: 3,889 of 185,506 alleles (2.1%); highest among the groups gnomAD compares: African/African-American, 6.9%; 138 homozygotes.

Submissions (2):

GeneDx
Classification: Benign. Last evaluated: 2021-05-25. Review status: criteria provided, single submitter. Criteria: GeneDx Variant Classification Process June 2021. Collection method: clinical testing. Allele origin: germline. Affected: yes.

Illumina Laboratory Services, Illumina
Classification: Benign for Autosomal recessive early-onset Parkinson disease 6. Last evaluated: 2018-01-12. Review status: criteria provided, single submitter. Criteria: ICSL Variant Classification Criteria 13 December 2019. Collection method: clinical testing. Allele origin: germline.
Comment: This variant was observed in the ICSL laboratory as part of a predisposition screen in an ostensibly healthy population. It had not been previously curated by ICSL or reported in the Human Gene Mutation Database (HGMD: prior to June 1st, 2018), and was therefore a candidate for classification through an automated scoring system. Utilizing variant allele frequency, disease prevalence and penetrance estimates, and inheritance mode, an automated score was calculated to assess if this variant is too frequent to cause the disease. Based on the score and internal cut-off values, a variant classified as benign is not then subjected to further curation. The score for this variant resulted in a classification of benign for this disease.